The following is an entry in ClinVar:

NM_015272.5(RPGRIP1L):c.2384C>T (p.Thr795Ile)

Gene: RPGRIP1L (RPGRIP1 like; minus strand). Cytogenetic location: 16q12.2.
Variant type: single nucleotide variant.
Coding change: c.2384C>T on transcript NM_015272.5 (MANE Select); coding-DNA position 2384, C replaced by T.
Protein change: p.Thr795Ile; replaces threonine 795 with isoleucine.
Molecular consequence: missense variant.
Genome position (GRCh38, 1-based): chr16:53,645,924, G>A on the plus strand (C>T on the coding strand, the complement: RPGRIP1L is on the minus strand). VCF-style: chr16-53645924-G-A. GRCh37 (hg19) VCF-style: chr16-53679836-G-A.
Other names: c.2384C>T, p.Thr795Ile (NM_001127897.4, NM_001308334.3, NM_001330538.2); short protein forms T795I.
Identifiers: ClinVar variation 2113402 (VCV002113402.4), dbSNP rs757738089, ClinGen allele CA8057556.
Genomic context (GRCh38, chr16:53,645,924, plus strand): 5'-ACATATGGGTGTGGCTGCAGGTGGCTTGCTCGGGACTGCAGGTGGTTGCAACATCTTATT[G>A]TAATGTGAAGTTCATTTAAGTTGCCATCTGTGGAATCTGTAGAACTGAGTTGAGCAGTTT-3'
Protein context (NP_056087.2, residues 785-805): TDGNLNELHI[Thr795Ile]IRCCNHLQSR

ClinVar aggregate classification (germline): Uncertain significance (1 of 4 stars; one submission).

Conditions:
Joubert syndrome. Also called: CEREBELLOPARENCHYMAL DISORDER IV; JOUBERT-BOLTSHAUSER SYNDROME; Familial aplasia of the vermis. Identifiers: Orphanet 475, MedGen C5979921, MONDO:0018772.
Meckel-Gruber syndrome. Also called: DYSENCEPHALIA SPLANCHNOCYSTICA; GRUBER SYNDROME; Dysencephalia splachnocystica. Identifiers: Orphanet 564, MedGen C0265215, MONDO:0018921.

Allele frequency attached by ClinVar (database versions not stated): gnomAD exomes below 0.00001; TOPMed below 0.00001; ExAC 0.00001; gnomAD 0.00001.
gnomAD v4.1: 2 of 1,613,986 alleles (0.00012%); highest among the groups gnomAD compares: African/African-American, 0.0027%; no homozygotes.

Submission:

Labcorp Genetics (formerly Invitae), Labcorp
Classification: Uncertain significance for Joubert syndrome; Meckel-Gruber syndrome. Last evaluated: 2022-04-13. Review status: criteria provided, single submitter. Criteria: Invitae Variant Classification Sherloc (09022015). Collection method: clinical testing. Allele origin: germline.
Comment: In summary, the available evidence is currently insufficient to determine the role of this variant in disease. Therefore, it has been classified as a Variant of Uncertain Significance. Algorithms developed to predict the effect of missense changes on protein structure and function are either unavailable or do not agree on the potential impact of this missense change (SIFT: "Deleterious"; PolyPhen-2: "Probably Damaging"; Align-GVGD: "Class C0"). This variant has not been reported in the literature in individuals affected with RPGRIP1L-related conditions. This variant is present in population databases (rs757738089, gnomAD 0.007%). This sequence change replaces threonine, which is neutral and polar, with isoleucine, which is neutral and non-polar, at codon 795 of the RPGRIP1L protein (p.Thr795Ile).